The following is an entry in ClinVar:

ClinVar aggregate classification (germline): Uncertain significance (1 of 4 stars; one submission).

Conditions:
Epidermolysis bullosa simplex 3, localized or generalized intermediate, with BP230 deficiency (EBS3). Also called: Epidermolysis bullosa simplex due to BP230 deficiency; Epidermolysis bullosa simplex, autosomal recessive 2. Identifiers: Orphanet 412181, MedGen C3809470, MONDO:0014180, OMIM 615425.
Hereditary sensory and autonomic neuropathy type 6. Also called: HSAN VI; Neuropathy, hereditary sensory and autonomic, type VI. Identifiers: Orphanet 314381, MedGen C3539003, MONDO:0013839, OMIM 614653.

Allele frequency attached by ClinVar (database versions not stated): TOPMed 0.00001.
gnomAD v4.1: 5 of 1,612,660 alleles (0.00031%); highest among the groups gnomAD compares: Admixed American, 0.0033%; no homozygotes.

Submission:

Labcorp Genetics (formerly Invitae), Labcorp
Classification: Uncertain significance for Epidermolysis bullosa simplex 3, localized or generalized intermediate, with BP230 deficiency; Hereditary sensory and autonomic neuropathy type 6. Last evaluated: 2019-12-19. Review status: criteria provided, single submitter. Criteria: Invitae Variant Classification Sherloc (09022015). Collection method: clinical testing. Allele origin: germline.
Comment: This sequence change replaces leucine with valine at codon 114 of the DST protein (p.Leu114Val). The leucine residue is highly conserved and there is a small physicochemical difference between leucine and valine. In summary, the available evidence is currently insufficient to determine the role of this variant in disease. Therefore, it has been classified as a Variant of Uncertain Significance. Algorithms developed to predict the effect of missense changes on protein structure and function are either unavailable or do not agree on the potential impact of this missense change (SIFT: "Deleterious"; PolyPhen-2: "Benign"; Align-GVGD: "Class C25"). This variant has not been reported in the literature in individuals with DST-related conditions. This variant is not present in population databases (ExAC no frequency).

NM_001374736.1(DST):c.1951C>G (p.Leu651Val)

Gene: DST (dystonin; minus strand). Cytogenetic location: 6p12.1.
Variant type: single nucleotide variant.
Coding change: c.1951C>G on transcript NM_001374736.1 (MANE Select); coding-DNA position 1951, C replaced by G.
Protein change: p.Leu651Val; replaces leucine 651 with valine.
Molecular consequence: missense variant.
Genome position (GRCh38, 1-based): chr6:56,642,023, G>C on the plus strand (C>G on the coding strand, the complement: DST is on the minus strand). VCF-style: chr6-56642023-G-C. GRCh37 (hg19) VCF-style: chr6-56506821-G-C.
Other names: c.1852C>G, p.Leu618Val (NM_001144769.5); c.1438C>G, p.Leu480Val (NM_001144770.2); c.1951C>G, p.Leu651Val (NM_001374722.1); c.1318C>G, p.Leu440Val (NM_001374729.1, NM_001374730.1, NM_001386100.1 and 1 more transcripts); c.1978C>G, p.Leu660Val (NM_001374734.1); c.340C>G, p.Leu114Val (NM_001723.7, NM_015548.5); short protein forms L480V, L618V, L114V, L660V, L440V, L651V.
Identifiers: ClinVar variation 843123 (VCV000843123.10), dbSNP rs767375796, ClinGen allele CA139693209.